The following is an entry in ClinVar:

ClinVar aggregate classification (germline): Pathogenic (1 of 4 stars; one submission).

Conditions:
DICER1-related tumor predisposition. Also called: DICER1-related pleuropulmonary blastoma cancer predisposition syndrome; DICER1 syndrome. Identifiers: Orphanet 284343, MedGen C3839822, MONDO:0100216.

Submission:

Labcorp Genetics (formerly Invitae), Labcorp
Classification: Pathogenic for DICER1-related tumor predisposition. Last evaluated: 2017-01-26. Review status: criteria provided, single submitter. Criteria: Invitae Variant Classification Sherloc (09022015). Collection method: clinical testing. Allele origin: germline.
Comment: For these reasons, this variant has been classified as Pathogenic. While this particular variant has not been reported in the literature, loss-of-function variants in DICER1 are known to be pathogenic (PMID: 19556464, 21266384). This sequence change deletes 1 nucleotide from exon 9 of the DICER1 mRNA (c.1417delT), causing a frameshift at codon 473. This creates a premature translational stop signal (p.Tyr473Ilefs*7) and is expected to result in an absent or disrupted protein product.

Literature cited by the submitters: PubMed 19556464; PubMed 21266384.

NM_177438.3(DICER1):c.1417del (p.Tyr473fs)

Gene: DICER1 (dicer 1, ribonuclease III; minus strand). Cytogenetic location: 14q32.13.
Variant type: Deletion.
Coding change: c.1417del on transcript NM_177438.3 (MANE Select); coding-DNA position 1417, one base deleted (T; older notation c.1417delT).
Protein change: p.Tyr473fs; shifts the reading frame from tyrosine 473.
Molecular consequence: frameshift variant.
Genome position (GRCh38, 1-based): chr14:95,117,714, A deleted on the plus strand (T on the coding strand, the reverse complement: DICER1 is on the minus strand); the first of 2 consecutive A bases (chr14:95,117,714-95,117,715); deleting either gives the same sequence. VCF-style (leftmost placement, unchanged base first): chr14-95117713-TA-T. GRCh37 (hg19) VCF-style: chr14-95584050-TA-T.
Other names: c.1417delT (NM_177438.2); c.1417del, p.Tyr473fs (NM_001195573.1, NM_001271282.3, NM_001291628.2 and 1 more transcripts); short protein forms Y473fs.
Identifiers: ClinVar variation 477039 (VCV000477039.8), dbSNP rs1555373228, ClinGen allele CA658656452.